The following is an entry in ClinVar:

NM_001111.5(ADAR):c.857C>T (p.Ala286Val)

Gene: ADAR (adenosine deaminase RNA specific; minus strand). Cytogenetic location: 1q21.3.
Variant type: single nucleotide variant.
Coding change: c.857C>T on transcript NM_001111.5 (MANE Select); coding-DNA position 857, C replaced by T.
Protein change: p.Ala286Val; replaces alanine 286 with valine.
Molecular consequence: missense variant. On other transcripts: 5 prime UTR variant (6).
Genome position (GRCh38, 1-based): chr1:154,601,785, G>A on the plus strand (C>T on the coding strand, the complement: ADAR is on the minus strand). VCF-style: chr1-154601785-G-A. GRCh37 (hg19) VCF-style: chr1-154574261-G-A.
Other names: c.-29C>T (NM_001025107.3, NM_001193495.2, NM_001365046.1 and 3 more transcripts); c.884C>T, p.Ala295Val (NM_001365045.1); c.857C>T, p.Ala286Val (NM_015840.4, NM_015841.4); short protein forms A286V, A295V.
Identifiers: ClinVar variation 3750966 (VCV003750966.2).

ClinVar aggregate classification (germline): Uncertain significance (1 of 4 stars; one submission).

Conditions:
Symmetrical dyschromatosis of extremities (DSH). Also called: DYSCHROMATOSIS SYMMETRICA HEREDITARIA 1; RETICULATE ACROPIGMENTATION OF DOHI; SYMMETRIC DYSCHROMATOSIS OF THE EXTREMITIES; Dyschromatosis symmetrica hereditaria. Identifiers: Orphanet 41, MedGen C0406775, MONDO:0007483, OMIM 127400.
Aicardi-Goutieres syndrome 6 (AGS6). Identifiers: Orphanet 51, MedGen C3539013, MONDO:0014007, OMIM 615010.

gnomAD v4.1: 1 of 1,614,234 alleles (0.000062%); highest among the groups gnomAD compares: African/African-American, 0.0013%; no homozygotes.

Submission:

Labcorp Genetics (formerly Invitae), Labcorp
Classification: Uncertain significance for Aicardi-Goutieres syndrome 6; Symmetrical dyschromatosis of extremities. Last evaluated: 2025-01-18. Review status: criteria provided, single submitter. Criteria: Invitae Variant Classification Sherloc (09022015). Collection method: clinical testing. Allele origin: germline.
Comment: This sequence change replaces alanine, which is neutral and non-polar, with valine, which is neutral and non-polar, at codon 286 of the ADAR protein (p.Ala286Val). The frequency data for this variant in the population databases is considered unreliable, as metrics indicate poor data quality at this position in the gnomAD database. This variant has not been reported in the literature in individuals affected with ADAR-related conditions. Invitae Evidence Modeling of protein sequence and biophysical properties (such as structural, functional, and spatial information, amino acid conservation, physicochemical variation, residue mobility, and thermodynamic stability) indicates that this missense variant is not expected to disrupt ADAR protein function with a negative predictive value of 80%. In summary, the available evidence is currently insufficient to determine the role of this variant in disease. Therefore, it has been classified as a Variant of Uncertain Significance.